The following is an entry in ClinVar:

NM_206933.4(USH2A):c.1901C>T (p.Ala634Val)

Gene: USH2A (usherin; minus strand). Cytogenetic location: 1q41.
Variant type: single nucleotide variant.
Coding change: c.1901C>T on transcript NM_206933.4 (MANE Select); coding-DNA position 1901, C replaced by T.
Protein change: p.Ala634Val; replaces alanine 634 with valine.
Molecular consequence: missense variant.
Genome position (GRCh38, 1-based): chr1:216,289,350, G>A on the plus strand (C>T on the coding strand, the complement: USH2A is on the minus strand). VCF-style: chr1-216289350-G-A. GRCh37 (hg19) VCF-style: chr1-216462692-G-A.
Other names: c.1901C>T, p.Ala634Val (NM_007123.6); short protein forms A634V.
Identifiers: ClinVar variation 1926978 (VCV001926978.2), dbSNP rs2036953121, ClinGen allele CA344902795.

ClinVar aggregate classification (germline): Uncertain significance (1 of 4 stars; one submission).

Allele frequency attached by ClinVar (database versions not stated): TOPMed below 0.00001; gnomAD exomes 0.00001.
gnomAD v4.1: 9 of 1,613,954 alleles (0.00056%); highest among the groups gnomAD compares: Admixed American, 0.0017%; no homozygotes.

Submission:

Labcorp Genetics (formerly Invitae), Labcorp
Classification: Uncertain significance. Last evaluated: 2022-07-23. Review status: criteria provided, single submitter. Criteria: Invitae Variant Classification Sherloc (09022015). Collection method: clinical testing. Allele origin: germline.
Comment: This sequence change replaces alanine, which is neutral and non-polar, with valine, which is neutral and non-polar, at codon 634 of the USH2A protein (p.Ala634Val). This variant is not present in population databases (gnomAD no frequency). This variant has not been reported in the literature in individuals affected with USH2A-related conditions. Algorithms developed to predict the effect of missense changes on protein structure and function are either unavailable or do not agree on the potential impact of this missense change (SIFT: "Deleterious"; PolyPhen-2: "Probably Damaging"; Align-GVGD: "Class C0"). In summary, the available evidence is currently insufficient to determine the role of this variant in disease. Therefore, it has been classified as a Variant of Uncertain Significance.